The following is an entry in ClinVar:

NM_001035.3(RYR2):c.6667G>C (p.Glu2223Gln)

Gene: RYR2 (ryanodine receptor 2; plus strand). Cytogenetic location: 1q43.
Variant type: single nucleotide variant.
Coding change: c.6667G>C on transcript NM_001035.3 (MANE Select); coding-DNA position 6667, G replaced by C.
Protein change: p.Glu2223Gln; replaces glutamic acid 2223 with glutamine.
Molecular consequence: missense variant.
Genome position (GRCh38, 1-based): chr1:237,633,689, G>C. VCF-style: chr1-237633689-G-C. GRCh37 (hg19) VCF-style: chr1-237796989-G-C.
Other names: c.6667G>C (NM_001035.2); short protein forms E2223Q.
Identifiers: ClinVar variation 1959338 (VCV001959338.6), dbSNP rs1398124585, ClinGen allele CA345394340.

ClinVar aggregate classification (germline): Uncertain significance. Review status: criteria provided, multiple submitters, no conflicts (2 of 4 stars). 2 submissions from 2 submitters: Uncertain significance (2). Last evaluated 2025-12-16.

Conditions:
Catecholaminergic polymorphic ventricular tachycardia 1. Also called: VENTRICULAR TACHYCARDIA, CATECHOLAMINERGIC POLYMORPHIC, 1, WITH OR WITHOUT ATRIAL DYSFUNCTION AND/OR DILATED CARDIOMYOPATHY; RYR2-Related Catecholaminergic Polymorphic Ventricular Tachycardia; VENTRICULAR TACHYCARDIA, STRESS-INDUCED POLYMORPHIC 1. Identifiers: Orphanet 3286, MedGen C1631597, MONDO:0011484, OMIM 604772.
Cardiovascular phenotype. Identifiers: MedGen CN230736.

Allele frequency attached by ClinVar (database versions not stated): gnomAD 0.00001; gnomAD exomes 0.00001.
gnomAD v4.1: 9 of 1,613,202 alleles (0.00056%); highest among the groups gnomAD compares: Non-Finnish European, 0.00068%; no homozygotes.

Submissions (2):

Ambry Genetics
Classification: Uncertain significance for Cardiovascular phenotype. Last evaluated: 2025-12-16. Review status: criteria provided, single submitter. Criteria: Ambry Variant Classification Scheme 2023. Collection method: clinical testing. Allele origin: germline.
Comment: The p.E2223Q variant (also known as c.6667G>C), located in coding exon 43 of the RYR2 gene, results from a G to C substitution at nucleotide position 6667. The glutamic acid at codon 2223 is replaced by glutamine, an amino acid with highly similar properties. This amino acid position is conserved. In addition, the in silico prediction for this alteration is inconclusive. Based on the available evidence, the clinical significance of this variant remains unclear.

Labcorp Genetics (formerly Invitae), Labcorp
Classification: Uncertain significance for Catecholaminergic polymorphic ventricular tachycardia 1. Last evaluated: 2021-12-14. Review status: criteria provided, single submitter. Criteria: Invitae Variant Classification Sherloc (09022015). Collection method: clinical testing. Allele origin: germline.
Comment: In summary, the available evidence is currently insufficient to determine the role of this variant in disease. Therefore, it has been classified as a Variant of Uncertain Significance. Algorithms developed to predict the effect of missense changes on protein structure and function (SIFT, PolyPhen-2, Align-GVGD) all suggest that this variant is likely to be disruptive. This variant has not been reported in the literature in individuals affected with RYR2-related conditions. This variant is present in population databases (no rsID available, gnomAD no frequency). This sequence change replaces glutamic acid, which is acidic and polar, with glutamine, which is neutral and polar, at codon 2223 of the RYR2 protein (p.Glu2223Gln).